The following is an entry in ClinVar:

ClinVar aggregate classification (germline): Likely pathogenic (1 of 4 stars; one submission).

Conditions:
Neurodevelopmental disorder with progressive spasticity and brain abnormalities. Identifiers: MedGen C6012700, MONDO:0976233, OMIM 621102.

gnomAD v4.1: 9 of 1,614,250 alleles (0.00056%); highest among the groups gnomAD compares: East Asian, 0.02%; no homozygotes.

Submission:

3billion
Classification: Likely pathogenic for Neurodevelopmental disorder with progressive spasticity and brain abnormalities. Last evaluated: 2025-05-22. Review status: criteria provided, single submitter. Criteria: ACMG Guidelines, 2015. Collection method: clinical testing. Allele origin: germline. Affected: yes.
Comment: The variant is observed at an extremely low frequency in the gnomAD v4.1.0 dataset (total allele frequency: <0.001%). Predicted Consequence/Location: Stop-gained (nonsense): predicted to result in a loss or disruption of normal protein function through nonsense-mediated decay (NMD) or protein truncation. Multiple pathogenic variants are reported downstream of the variant. Therefore, this variant is classified as Likely pathogenic according to the recommendation of ACMG/AMP guideline.

NM_021937.5(EEFSEC):c.1540G>T (p.Glu514Ter)

Gene: EEFSEC (eukaryotic elongation factor, selenocysteine-tRNA specific; plus strand). Cytogenetic location: 3q21.3.
Variant type: single nucleotide variant.
Coding change: c.1540G>T on transcript NM_021937.5 (MANE Select); coding-DNA position 1540, G replaced by T.
Protein change: p.Glu514Ter; replaces glutamic acid 514 with a stop codon.
Molecular consequence: nonsense. On other transcripts: intron variant (2).
Genome position (GRCh38, 1-based): chr3:128,358,313, G>T. VCF-style: chr3-128358313-G-T. GRCh37 (hg19) VCF-style: chr3-128077156-G-T.
Other names: c.1693G>T, p.Glu565Ter (NM_001437809.1); c.1540G>T, p.Glu514Ter (NM_001437810.1, NM_001437811.1); c.1375G>T, p.Glu459Ter (NM_001437812.1, NM_001437813.1); c.1443+16424G>T (NM_001437814.1); c.1278+16424G>T (NM_001437815.1); short protein forms E459*, E514*, E565*.
Identifiers: ClinVar variation 4856243 (VCV004856243.1).